The following is an entry in ClinVar:

ClinVar aggregate classification (germline): Uncertain significance (0 of 4 stars; one submission).

Conditions:
Prostate cancer. Also called: Malignant tumor of prostate. Identifiers: Orphanet 1331, MedGen C0376358, MONDO:0008315, HP:0012125.

Submission:

Science for Life laboratory,  Karolinska Institutet
Classification: Uncertain significance for Malignant tumor of prostate. Review status: no assertion criteria provided. Collection method: not provided. Allele origin: somatic.
Comment: TumorID:SWE-8
ClinVar note: Converted during submission from Unknown to Uncertain significance.

NM_006587.4(CORIN):c.1400C>G (p.Pro467Arg)

Gene: CORIN (corin, serine peptidase; minus strand). Cytogenetic location: 4p12.
Variant type: single nucleotide variant.
Coding change: c.1400C>G on transcript NM_006587.4 (MANE Select); coding-DNA position 1400, C replaced by G.
Protein change: p.Pro467Arg; replaces proline 467 with arginine.
Molecular consequence: missense variant.
Genome position (GRCh38, 1-based): chr4:47,665,221, G>C on the plus strand (C>G on the coding strand, the complement: CORIN is on the minus strand). VCF-style: chr4-47665221-G-C. GRCh37 (hg19) VCF-style: chr4-47667238-G-C.
Other names: c.1088C>G, p.Pro363Arg (NM_001278585.2); c.1289C>G, p.Pro430Arg (NM_001278586.2); short protein forms P467R, P363R, P430R.
Identifiers: ClinVar variation 161648 (VCV000161648.2), dbSNP rs193921036, ClinGen allele CA174525.